The following is an entry in ClinVar:

NM_001127644.2(GABRA1):c.1130C>T (p.Pro377Leu)

Gene: GABRA1 (gamma-aminobutyric acid type A receptor subunit alpha1; plus strand). Cytogenetic location: 5q34.
Variant type: single nucleotide variant.
Coding change: c.1130C>T on transcript NM_001127644.2 (MANE Select); coding-DNA position 1130, C replaced by T.
Protein change: p.Pro377Leu; replaces proline 377 with leucine.
Molecular consequence: missense variant.
Genome position (GRCh38, 1-based): chr5:161,897,181, C>T. VCF-style: chr5-161897181-C-T. GRCh37 (hg19) VCF-style: chr5-161324187-C-T.
Other names: p.P377L:CCT>CTT; c.1130C>T, p.Pro377Leu (NM_000806.5, NM_001127643.2, NM_001127645.2 and 1 more transcripts); short protein forms P377L.
Identifiers: ClinVar variation 205528 (VCV000205528.11), dbSNP rs751571034, ClinGen allele CA314686.

ClinVar aggregate classification (germline): Conflicting classifications of pathogenicity. Review status: criteria provided, conflicting classifications (1 of 4 stars). 4 submissions from 4 submitters: Uncertain significance (3); Likely benign (1). Last evaluated 2021-08-05.

Conditions:
Developmental and epileptic encephalopathy, 19 (DEE19). Also called: Epileptic encephalopathy, early infantile, 19. Identifiers: Orphanet 33069, MedGen C3810400, MONDO:0014328, OMIM 615744.
Idiopathic generalized epilepsy. Also called: Generalised epilepsy; EIG. Identifiers: MedGen C0270850, MONDO:0005579, OMIM 600669.
Epilepsy, idiopathic generalized, susceptibility to, 13. Also called: EPILEPSY, JUVENILE MYOCLONIC, SUSCEPTIBILITY TO, 5. Identifiers: Orphanet 307, Orphanet 64280, MedGen C4013473, MONDO:0012627, OMIM 611136.
Epilepsy, childhood absence 4 (ECA4). Also called: EPILEPSY, CHILDHOOD ABSENCE, SUSCEPTIBILITY TO, 4. Identifiers: Orphanet 307, MedGen C1970160.
Inborn genetic diseases. Identifiers: MedGen C0950123, MeSH D030342.

Allele frequency attached by ClinVar (database versions not stated): ExAC 0.00002; gnomAD 0.00002 and 0.00003; TOPMed 0.00002; gnomAD exomes 0.00003.
gnomAD v4.1: 19 of 1,613,980 alleles (0.0012%); highest among the groups gnomAD compares: South Asian, 0.015%; no homozygotes.

Submissions (4):

Labcorp Genetics (formerly Invitae), Labcorp
Classification: Uncertain significance for Epilepsy, childhood absence 4; Epilepsy, idiopathic generalized, susceptibility to, 13; Idiopathic generalized epilepsy. Last evaluated: 2021-08-05. Review status: criteria provided, single submitter. Criteria: Invitae Variant Classification Sherloc (09022015). Collection method: clinical testing. Allele origin: germline.
Comment: This sequence change replaces proline with leucine at codon 377 of the GABRA1 protein (p.Pro377Leu). The proline residue is highly conserved and there is a moderate physicochemical difference between proline and leucine. This variant is present in population databases (rs751571034, ExAC 0.009%). This variant has not been reported in the literature in individuals affected with GABRA1-related conditions. ClinVar contains an entry for this variant (Variation ID: 205528). Algorithms developed to predict the effect of missense changes on protein structure and function are either unavailable or do not agree on the potential impact of this missense change (SIFT: "Deleterious"; PolyPhen-2: "Probably Damaging"; Align-GVGD: "Class C0"). In summary, the available evidence is currently insufficient to determine the role of this variant in disease. Therefore, it has been classified as a Variant of Uncertain Significance.

New York Genome Center
Classification: Uncertain significance for Developmental and epileptic encephalopathy, 19. Last evaluated: 2019-12-16. Review status: criteria provided, single submitter. Criteria: NYGC Assertion Criteria 2020. Collection method: clinical testing. Allele origin: germline. Observed: 1 heterozygote. Study: CSER-NYCKidSeq.

Ambry Genetics
Classification: Likely benign for Inborn genetic diseases. Last evaluated: 2018-02-28. Review status: criteria provided, single submitter. Criteria: Ambry Variant Classification Scheme 2023. Collection method: clinical testing. Allele origin: germline.

GeneDx
Classification: Uncertain significance. Last evaluated: 2016-02-29. Review status: criteria provided, single submitter. Criteria: GeneDx Variant Classification (06012015). Collection method: clinical testing. Allele origin: germline. Affected: yes.
Comment: The P377L variant has not been published as a mutation, nor has it been reported as a benign polymorphism to our knowledge. It was not observed in approximately 6,500 individuals of European and African American ancestry in the NHLBI Exome Sequencing Project, indicating it is not a common benign variant in these populations. This substitution occurs at a position that is conserved across species. The P377L variant is a semi-conservative amino acid substitution, which may impact secondary protein structure as these residues differ in some properties. In silico analysis is inconsistent in its predictions as to whether or not the variant is damaging to the protein structure/function. Therefore, based on the currently available information, it is unclear whether this variant is a pathogenic mutation or a rare benign variant